The following is an entry in ClinVar:

NM_004667.6(HERC2):c.7373C>T (p.Ala2458Val)

Gene: HERC2 (HECT and RLD domain containing E3 ubiquitin protein ligase 2; minus strand). Cytogenetic location: 15q13.1.
Variant type: single nucleotide variant.
Coding change: c.7373C>T on transcript NM_004667.6 (MANE Select); coding-DNA position 7373, C replaced by T.
Protein change: p.Ala2458Val; replaces alanine 2458 with valine.
Molecular consequence: missense variant.
Genome position (GRCh38, 1-based): chr15:28,202,454, G>A on the plus strand (C>T on the coding strand, the complement: HERC2 is on the minus strand). VCF-style: chr15-28202454-G-A. GRCh37 (hg19) VCF-style: chr15-28447600-G-A.
Other names: short protein forms A2458V.
Identifiers: ClinVar variation 3105401 (VCV003105401.2), dbSNP rs781579496, ClinGen allele CA7441837.

ClinVar aggregate classification (germline): Uncertain significance. Review status: criteria provided, multiple submitters, no conflicts (2 of 4 stars). 2 submissions from 2 submitters: Uncertain significance (2). Last evaluated 2026-10-01.

Conditions:
Inborn genetic diseases. Identifiers: MedGen C0950123, MeSH D030342.

Allele frequency attached by ClinVar (database versions not stated): gnomAD exomes 0.00001; TOPMed 0.00002; ExAC 0.00004.
gnomAD v4.1: 7 of 1,525,870 alleles (0.00046%); highest among the groups gnomAD compares: East Asian, 0.011%; no homozygotes.

Submissions (2):

CeGaT Center for Human Genetics Tuebingen
Classification: Uncertain significance. Last evaluated: 2026-10-01. Review status: criteria provided, single submitter. Criteria: CeGaT Center For Human Genetics Tuebingen Variant Classification Criteria Version 2. Collection method: clinical testing. Allele origin: germline. Affected: yes. Observed: 1 variant allele.
Comment: HERC2: PM2, BP4

Ambry Genetics
Classification: Uncertain significance for Inborn genetic diseases. Last evaluated: 2023-12-19. Review status: criteria provided, single submitter. Criteria: Ambry Variant Classification Scheme 2023. Collection method: clinical testing. Allele origin: germline.